The following is an entry in ClinVar:

NM_020778.5(ALPK3):c.914A>T (p.Gln305Leu)

Gene: ALPK3 (alpha kinase 3; plus strand). Cytogenetic location: 15q25.3.
Variant type: single nucleotide variant.
Coding change: c.914A>T on transcript NM_020778.5 (MANE Select); coding-DNA position 914, A replaced by T.
Protein change: p.Gln305Leu; replaces glutamine 305 with leucine.
Molecular consequence: missense variant.
Genome position (GRCh38, 1-based): chr15:84,840,193, A>T. VCF-style: chr15-84840193-A-T. GRCh37 (hg19) VCF-style: chr15-85383424-A-T.
Other names: short protein forms Q305L.
Identifiers: ClinVar variation 1982272 (VCV001982272.4), dbSNP rs1261817894, ClinGen allele CA393373768.

ClinVar aggregate classification (germline): Uncertain significance (1 of 4 stars; one submission).

Allele frequency attached by ClinVar (database versions not stated): TOPMed below 0.00001; gnomAD 0.00001.
gnomAD v4.1: 20 of 1,613,790 alleles (0.0012%); highest among the groups gnomAD compares: Non-Finnish European, 0.0016%; no homozygotes.

Submission:

Labcorp Genetics (formerly Invitae), Labcorp
Classification: Uncertain significance. Last evaluated: 2022-08-27. Review status: criteria provided, single submitter. Criteria: Invitae Variant Classification Sherloc (09022015). Collection method: clinical testing. Allele origin: germline.
Comment: This variant has not been reported in the literature in individuals affected with ALPK3-related conditions. In summary, the available evidence is currently insufficient to determine the role of this variant in disease. Therefore, it has been classified as a Variant of Uncertain Significance. Algorithms developed to predict the effect of missense changes on protein structure and function (SIFT, PolyPhen-2, Align-GVGD) all suggest that this variant is likely to be tolerated. This variant is present in population databases (no rsID available, gnomAD 0.002%). This sequence change replaces glutamine, which is neutral and polar, with leucine, which is neutral and non-polar, at codon 507 of the ALPK3 protein (p.Gln507Leu).